The following is an entry in ClinVar:

ClinVar aggregate classification (germline): Likely benign. Review status: criteria provided, multiple submitters, no conflicts (2 of 4 stars). 2 submissions from 2 submitters: Likely benign (2). Last evaluated 2025-12-21.

Conditions:
Lipodystrophy, partial, acquired, susceptibility to (APLD). Also called: APLD, SUSCEPTIBILITY TO. Identifiers: MedGen C3887501, MONDO:0100476, OMIM 608709.
Progressive myoclonic epilepsy type 9. Identifiers: Orphanet 457265, MedGen C4225289, MONDO:0014685, OMIM 616540.

Allele frequency attached by ClinVar (database versions not stated): gnomAD 0.00003; TOPMed 0.00006; gnomAD exomes 0.00009 and 0.00034; ExAC 0.00014; 1000 Genomes Project 30x 0.00016; 1000 Genomes Project 0.00020.
gnomAD v4.1: 504 of 1,602,144 alleles (0.031%); highest among the groups gnomAD compares: East Asian, 1.1%; 4 homozygotes.

Submissions (2):

Labcorp Genetics (formerly Invitae), Labcorp
Classification: Likely benign for Progressive myoclonic epilepsy type 9; Lipodystrophy, partial, acquired, susceptibility to. Last evaluated: 2025-12-21. Review status: criteria provided, single submitter. Criteria: Invitae Variant Classification Sherloc (09022015). Collection method: clinical testing. Allele origin: germline.

CeGaT Center for Human Genetics Tuebingen
Classification: Likely benign. Last evaluated: 2023-11-01. Review status: criteria provided, single submitter. Criteria: CeGaT Center For Human Genetics Tuebingen Variant Classification Criteria Version 2. Collection method: clinical testing. Allele origin: germline. Affected: yes. Observed: 1 variant allele.
Comment: LMNB2: BP4, BP7

NM_032737.4(LMNB2):c.1575C>T (p.Ala525=)

Gene: LMNB2 (lamin B2; minus strand). Cytogenetic location: 19p13.3.
Variant type: single nucleotide variant.
Coding change: c.1575C>T on transcript NM_032737.4 (MANE Select); coding-DNA position 1575, C replaced by T.
Protein change: p.Ala525=; no amino-acid change (alanine 525 retained).
Molecular consequence: synonymous variant.
Genome position (GRCh38, 1-based): chr19:2,432,431, G>A on the plus strand (C>T on the coding strand, the complement: LMNB2 is on the minus strand). VCF-style: chr19-2432431-G-A. GRCh37 (hg19) VCF-style: chr19-2432429-G-A.
Identifiers: ClinVar variation 475777 (VCV000475777.33), dbSNP rs140216957, ClinGen allele CA9067436.